The following is an entry in ClinVar:

ClinVar aggregate classification (germline): Uncertain significance (1 of 4 stars; one submission).

Submission:

Women's Health and Genetics/Laboratory Corporation of America, LabCorp
Classification: Uncertain significance. Last evaluated: 2023-12-08. Review status: criteria provided, single submitter. Criteria: LabCorp Variant Classification Summary - May 2015. Collection method: clinical testing. Allele origin: germline.
Comment: Variant summary: MANBA c.2483_2486delTTTG (p.Val828GlyfsX4) results in a premature termination codon, predicted to cause a truncation of the encoded protein, which is a commonly known mechanism for disease. However, it occurs in the final exon of the gene and is not predicted to undergo nonsense-mediated decay, and no pathogenic variants downstream of this position have been reported in ClinVar, HGMD, or LOVD. The variant was absent in 251296 control chromosomes. The available data on variant occurrences in the general population are insufficient to allow any conclusion about variant significance. To our knowledge, no occurrence of c.2483_2486delTTTG in individuals affected with Beta-Mannosidosis and no experimental evidence demonstrating its impact on protein function have been reported. No submitters have cited clinical-significance assessments for this variant to ClinVar after 2014. Based on the evidence outlined above, the variant was classified as uncertain significance.

NM_005908.4(MANBA):c.2483_2486del (p.Val828fs)

Gene: MANBA (mannosidase beta; minus strand). Cytogenetic location: 4q24.
Variant type: Microsatellite.
Coding change: c.2483_2486del on transcript NM_005908.4 (MANE Select); coding-DNA positions 2483 to 2486, 4 bases deleted (TTTG; older notation c.2483_2486delTTTG).
Protein change: p.Val828fs; shifts the reading frame from valine 828.
Molecular consequence: frameshift variant.
Genome position (GRCh38, 1-based): chr4:102,632,211-102,632,214, CAAA deleted on the plus strand (TTTG on the coding strand, the reverse complement: MANBA is on the minus strand); deleting any 4 consecutive bases within chr4:102,632,211-102,632,218 gives the same sequence; the c. name uses the placement nearest the transcript's 3' end. VCF-style (leftmost placement, unchanged base first): chr4-102632210-CCAAA-C. GRCh37 (hg19) VCF-style: chr4-103553367-CCAAA-C.
Other names: c.2483_2486delTTTG (NM_005908.4); short protein forms V828fs.
Identifiers: ClinVar variation 2691548 (VCV002691548.1), dbSNP rs1476274343, ClinGen allele CA784588774.
Genomic context (GRCh38, chr4:102,632,210, plus strand): 5'-CTTCTCAGTCATGAGGAAACCATTGTCACTAAATCTCCCTGGGATGCTTCCTACATCCAA[CCAAA>C]CAAAGGGAGCGACAGCTGAGGTCTCCAGGTCAAAAACAAATATGTCACCTTGCTGAGAGA-3'